The following is an entry in ClinVar:

NM_206933.4(USH2A):c.1120G>A (p.Asp374Asn)

Gene: USH2A (usherin; minus strand). Cytogenetic location: 1q41.
Variant type: single nucleotide variant.
Coding change: c.1120G>A on transcript NM_206933.4 (MANE Select); coding-DNA position 1120, G replaced by A.
Protein change: p.Asp374Asn; replaces aspartic acid 374 with asparagine.
Molecular consequence: missense variant.
Genome position (GRCh38, 1-based): chr1:216,325,328, C>T on the plus strand (G>A on the coding strand, the complement: USH2A is on the minus strand). VCF-style: chr1-216325328-C-T. GRCh37 (hg19) VCF-style: chr1-216498670-C-T.
Other names: c.1120G>A, p.Asp374Asn (NM_007123.6); short protein forms D374N.
Identifiers: ClinVar variation 860994 (VCV000860994.5), dbSNP rs753619373, ClinGen allele CA1396604.

ClinVar aggregate classification (germline): Uncertain significance. Review status: criteria provided, multiple submitters, no conflicts (2 of 4 stars). 3 submissions from 3 submitters: Uncertain significance (2). 1 of the submissions does not count toward it. Last evaluated 2022-08-19.

Conditions:
Usher syndrome type 2A. Also called: RETINAL DISEASE IN USHER SYNDROME TYPE IIA, MODIFIER OF; USHER SYNDROME, TYPE IIA. Identifiers: Orphanet 231178, Orphanet 886, MedGen C1848634, MONDO:0010169, OMIM 276901.

Allele frequency attached by ClinVar (database versions not stated): gnomAD exomes below 0.00001; TOPMed below 0.00001; gnomAD 0.00001; ExAC 0.00002.
gnomAD v4.1: 12 of 1,613,642 alleles (0.00074%); highest among the groups gnomAD compares: Admixed American, 0.0033%; no homozygotes.

Submissions (3):

Labcorp Genetics (formerly Invitae), Labcorp
Classification: Uncertain significance. Last evaluated: 2022-08-19. Review status: criteria provided, single submitter. Criteria: Invitae Variant Classification Sherloc (09022015). Collection method: clinical testing. Allele origin: germline.
Comment: This sequence change replaces aspartic acid, which is acidic and polar, with asparagine, which is neutral and polar, at codon 374 of the USH2A protein (p.Asp374Asn). This variant is present in population databases (rs753619373, gnomAD 0.002%). This variant has not been reported in the literature in individuals affected with USH2A-related conditions. ClinVar contains an entry for this variant (Variation ID: 860994). Algorithms developed to predict the effect of missense changes on protein structure and function are either unavailable or do not agree on the potential impact of this missense change (SIFT: "Deleterious"; PolyPhen-2: "Probably Damaging"; Align-GVGD: "Class C0"). In summary, the available evidence is currently insufficient to determine the role of this variant in disease. Therefore, it has been classified as a Variant of Uncertain Significance.

Blueprint Genetics
Classification: Uncertain significance. Last evaluated: 2019-11-05. Review status: criteria provided, single submitter. Criteria: ACMG Guidelines, 2015. Collection method: clinical testing. Allele origin: germline.

Natera, Inc.
Classification: Uncertain significance for Usher syndrome type 2A. Last evaluated: 2020-01-27. Review status: no assertion criteria provided. Collection method: clinical testing. Allele origin: germline. Not counted in ClinVar's aggregate classification.